The following is an entry in ClinVar:

NM_000179.3(MSH6):c.*3T>C

Gene: MSH6 (mutS homolog 6; plus strand). Cytogenetic location: 2p16.3.
Variant type: single nucleotide variant.
Coding change: c.*3T>C on transcript NM_000179.3 (MANE Select); 3 bases downstream of the stop codon, T replaced by C.
Molecular consequence: 3 prime UTR variant.
Genome position (GRCh38, 1-based): chr2:47,806,863, T>C. VCF-style: chr2-47806863-T-C. GRCh37 (hg19) VCF-style: chr2-48034002-T-C.
Other names: c.*3T>C (NM_001281492.2, NM_001281493.2, NM_001281494.2).
Identifiers: ClinVar variation 186897 (VCV000186897.11), dbSNP rs786203308, ClinGen allele CA015085.

ClinVar aggregate classification (germline): Conflicting classifications of pathogenicity. Review status: criteria provided, conflicting classifications (1 of 4 stars). 4 submissions from 4 submitters: Uncertain significance (3); Benign (1). Last evaluated 2025-01-09.

Conditions:
Hereditary cancer-predisposing syndrome. Also called: Neoplastic Syndromes, Hereditary; Tumor predisposition; Hereditary Cancer Syndrome; Hereditary neoplastic syndrome. Identifiers: Orphanet 140162, MedGen C0027672, MeSH D009386, MONDO:0015356.
Lynch syndrome 5 (LYNCH5). Also called: Colorectal cancer, hereditary nonpolyposis, type 5; Hereditary non-polyposis colorectal cancer, type 5. Identifiers: Orphanet 144, MedGen C1833477, MONDO:0013710, OMIM 614350. Disease mechanism: loss of function.

Allele frequency attached by ClinVar (database versions not stated): TOPMed 0.00001.

Submissions (4):

Myriad Genetics, Inc.
Classification: Benign for Lynch syndrome 5. Last evaluated: 2025-01-09. Review status: criteria provided, single submitter. Criteria: Myriad Autosomal Dominant, Autosomal Recessive and X-Linked Classification Criteria (2023). Collection method: clinical testing. Allele origin: unknown.
Comment: This variant is considered benign. This variant occurs in the non-coding 3' untranslated region of the gene, and is not expected to impact protein function.

Color Diagnostics, LLC DBA Color Health
Classification: Uncertain significance for Hereditary cancer-predisposing syndrome. Last evaluated: 2023-10-09. Review status: criteria provided, single submitter. Criteria: ACMG Guidelines, 2015. Collection method: clinical testing. Allele origin: germline.
Comment: This variant is located in the 3' untranslated region of the MSH6 gene. To our knowledge, functional studies have not been reported for this variant. This variant has not been reported in individuals affected with MSH6-related disorders in the literature. This variant has not been identified in the general population by the Genome Aggregation Database (gnomAD). The available evidence is insufficient to determine the role of this variant in disease conclusively. Therefore, this variant is classified as a Variant of Uncertain Significance.

Quest Diagnostics Nichols Institute San Juan Capistrano
Classification: Uncertain significance. Last evaluated: 2023-05-09. Review status: criteria provided, single submitter. Criteria: Quest Diagnostics criteria. Collection method: clinical testing. Allele origin: unknown.
Comment: To the best of our knowledge, the variant has not been reported in the published literature. It also has not been reported in large, multi-ethnic general populations. Based on the available information, we are unable to determine the clinical significance of this variant.

Ambry Genetics
Classification: Uncertain significance for Hereditary cancer-predisposing syndrome. Last evaluated: 2015-11-27. Review status: criteria provided, single submitter. Criteria: Ambry Variant Classification Scheme 2023. Collection method: clinical testing. Allele origin: germline.
Comment: The c.*3T>C variant is located in the 3' untranslated region (3&rsquo; UTR) of the MSH6 gene. This variant results from a T to C substitution 3 nucleotides after the last translated codon. This variant was not reported in population based cohorts in the following databases: Database of Single Nucleotide Polymorphisms (dbSNP), NHLBI Exome Sequencing Project (ESP), and 1000 Genomes Project. In the ESP, this variant was not observed in 6503 samples (13006 alleles) with coverage at this position. To date, this alteration has been detected with an allele frequency of approximately 0.002% (greater than 115000 alleles tested) in our clinical cohort. This nucleotide position is conserved in a very limited number of vertebrate species. Since supporting evidence is limited at this time, the clinical significance of c.*3T>C remains unclear.